The following is an entry in ClinVar:

NM_005632.3(CAPN15):c.2451G>A (p.Ala817=)

Gene: CAPN15 (calpain 15; plus strand). Cytogenetic location: 16p13.3.
Variant type: single nucleotide variant.
Coding change: c.2451G>A on transcript NM_005632.3 (MANE Select); coding-DNA position 2451, G replaced by A.
Protein change: p.Ala817=; no amino-acid change (alanine 817 retained).
Molecular consequence: synonymous variant.
Genome position (GRCh38, 1-based): chr16:552,156, G>A. VCF-style: chr16-552156-G-A. GRCh37 (hg19) VCF-style: chr16-602156-G-A.
Identifiers: ClinVar variation 3040789 (VCV003040789.2), dbSNP rs552774729, ClinGen allele CA7778757.

ClinVar aggregate classification (germline): Likely benign (0 of 4 stars; one submission).

Conditions:
CAPN15-related disorder. Also called: CAPN15-related condition.

Allele frequency attached by ClinVar (database versions not stated): gnomAD 0.00008; gnomAD exomes 0.00011; ExAC 0.00015; 1000 Genomes Project 30x 0.00016; 1000 Genomes Project 0.00020; TOPMed 0.00039.
gnomAD v4.1: 200 of 1,546,482 alleles (0.013%); highest among the groups gnomAD compares: South Asian, 0.017%; no homozygotes.

Submission:

PreventionGenetics, part of Exact Sciences
Classification: Likely benign for CAPN15-related condition. Last evaluated: 2020-03-17. Review status: no assertion criteria provided. Collection method: clinical testing. Allele origin: germline.
Comment: This variant is classified as likely benign based on ACMG/AMP sequence variant interpretation guidelines (Richards et al. 2015 PMID: 25741868, with internal and published modifications).